The following is an entry in ClinVar:

ClinVar aggregate classification (germline): Conflicting classifications of pathogenicity. Review status: criteria provided, conflicting classifications (1 of 4 stars). 3 submissions from 3 submitters: Likely pathogenic (1); Uncertain significance (2). Last evaluated 2023-11-16.

Conditions:
BAP1-related tumor predisposition syndrome (TPDS1). Also called: Tumor susceptibility linked to germline BAP1 mutations; BAP1 tumor predisposition syndrome; TUMOR PREDISPOSITION SYNDROME 1; COMMON Syndrome. Identifiers: Orphanet 289539, MedGen C3280492, MONDO:0013692, OMIM 614327.
Hereditary cancer-predisposing syndrome. Also called: Neoplastic Syndromes, Hereditary; Tumor predisposition; Hereditary neoplastic syndrome; Hereditary Cancer Syndrome. Identifiers: Orphanet 140162, MedGen C0027672, MeSH D009386, MONDO:0015356.

Submissions (3):

Ambry Genetics
Classification: Likely pathogenic for Hereditary cancer-predisposing syndrome. Last evaluated: 2023-11-16. Review status: criteria provided, single submitter. Criteria: Ambry Variant Classification Scheme 2023. Collection method: clinical testing. Allele origin: germline.
Comment: The p.S70Y variant (also known as c.209C>A), located in coding exon 4 of the BAP1 gene, results from a C to A substitution at nucleotide position 209. The serine at codon 70 is replaced by tyrosine, an amino acid with dissimilar properties. This alteration has been observed in at least one individual with a personal and/or family history that is consistent with BAP1-related disease (Ambry internal data). This variant is considered to be rare based on population cohorts in the Genome Aggregation Database (gnomAD). This nucleotide position is highly conserved in available vertebrate species. This amino acid position is highly conserved in available vertebrate species. In silico splice site analysis predicts that this alteration may weaken the native splice donor site and will result in the creation or strengthening of a novel splice donor site. In addition, as a missense, this alteration is predicted to be tolerated by in silico analysis. RNA studies have demonstrated that this alteration results in abnormal splicing in the set of samples tested (Ambry internal data). Based on the majority of available evidence to date, this variant is likely to be pathogenic.

CeGaT Center for Human Genetics Tuebingen
Classification: Uncertain significance. Last evaluated: 2023-09-01. Review status: criteria provided, single submitter. Criteria: CeGaT Center For Human Genetics Tuebingen Variant Classification Criteria Version 2. Collection method: clinical testing. Allele origin: germline. Affected: yes. Observed: 1 variant allele.
Comment: BAP1: PM2, PP2, PP3

Labcorp Genetics (formerly Invitae), Labcorp
Classification: Uncertain significance for BAP1-related tumor predisposition syndrome. Last evaluated: 2022-01-27. Review status: criteria provided, single submitter. Criteria: Invitae Variant Classification Sherloc (09022015). Collection method: clinical testing. Allele origin: germline.
Comment: In summary, the available evidence is currently insufficient to determine the role of this variant in disease. Therefore, it has been classified as a Variant of Uncertain Significance. Algorithms developed to predict the effect of missense changes on protein structure and function are either unavailable or do not agree on the potential impact of this missense change (SIFT: "Deleterious"; PolyPhen-2: "Probably Damaging"; Align-GVGD: "Class C0"). ClinVar contains an entry for this variant (Variation ID: 939177). This variant has not been reported in the literature in individuals affected with BAP1-related conditions. This variant is not present in population databases (gnomAD no frequency). This sequence change replaces serine, which is neutral and polar, with tyrosine, which is neutral and polar, at codon 70 of the BAP1 protein (p.Ser70Tyr).

NM_004656.4(BAP1):c.209C>A (p.Ser70Tyr)

Gene: BAP1 (BRCA1 associated deubiquitinase 1; minus strand). Cytogenetic location: 3p21.1.
Variant type: single nucleotide variant.
Coding change: c.209C>A on transcript NM_004656.4 (MANE Select); coding-DNA position 209, C replaced by A.
Protein change: p.Ser70Tyr; replaces serine 70 with tyrosine.
Molecular consequence: missense variant.
Genome position (GRCh38, 1-based): chr3:52,408,520, G>T on the plus strand (C>A on the coding strand, the complement: BAP1 is on the minus strand). VCF-style: chr3-52408520-G-T. GRCh37 (hg19) VCF-style: chr3-52442536-G-T.
Other names: c.209C>A (NM_004656.2); short protein forms S70Y.
Identifiers: ClinVar variation 939177 (VCV000939177.33), dbSNP rs1705236699, ClinGen allele CA353113232.